The following is an entry in ClinVar:

ClinVar aggregate classification (germline): Conflicting classifications of pathogenicity. Review status: criteria provided, conflicting classifications (1 of 4 stars). 23 submissions from 19 submitters: Uncertain significance (8); Benign (5); Likely benign (7). 3 of the submissions do not count toward it. Last evaluated 2026-09-01.

Conditions:
TTN-related disorder. Also called: TTN-related disorders; TTN-related condition; TTN-related disease.
Cardiovascular phenotype. Identifiers: MedGen CN230736.
Autosomal recessive limb-girdle muscular dystrophy type 2J (LGMDR10). Also called: MUSCULAR DYSTROPHY, LIMB-GIRDLE, AUTOSOMAL RECESSIVE 10; Limb-girdle muscular dystrophy, type 2J. Identifiers: Orphanet 140922, MedGen C1837342, MONDO:0012127, OMIM 608807.
Dilated cardiomyopathy 1G (CMD1G). Identifiers: Orphanet 154, MedGen C1858763, MONDO:0011400, OMIM 604145.
Early-onset myopathy with fatal cardiomyopathy (CMYO5). Also called: CONGENITAL MYOPATHY 5 WITH CARDIOMYOPATHY; Salih Myopathy. Identifiers: Orphanet 289377, MedGen C2673677, MONDO:0012714, OMIM 611705. Disease mechanism: loss of function.
Myopathy, myofibrillar, 9, with early respiratory failure (MFM9). Also called: Myopathy, distal, with early respiratory failure, autosomal dominant; Hereditary myopathy with early respiratory failure; EDSTROM MYOPATHY; MYOPATHY, PROXIMAL, WITH EARLY RESPIRATORY MUSCLE INVOLVEMENT. Identifiers: Orphanet 178464, Orphanet 34521, MedGen C1863599, MONDO:0011362, OMIM 603689.
Tibial muscular dystrophy (TMD). Also called: Tibial muscular dystrophy, tardive; Udd Distal Myopathy – Tibial Muscular Dystrophy; UDD MYOPATHY. Identifiers: Orphanet 609, MedGen C1838244, MONDO:0010870, OMIM 600334.

Allele frequency attached by ClinVar (database versions not stated): TOPMed 0.00017; 1000 Genomes Project 30x 0.00109; gnomAD 0.00022; 1000 Genomes Project 0.00140; ExAC 0.00026; ESP Exome Variant Server 0.00008; gnomAD exomes 0.00027.
gnomAD v4.1: 343 of 1,613,332 alleles (0.021%); highest among the groups gnomAD compares: Middle Eastern, 1.4%; 5 homozygotes.

Submissions (23):

CeGaT Center for Human Genetics Tuebingen
Classification: Likely benign. Last evaluated: 2026-09-01. Review status: criteria provided, single submitter. Criteria: CeGaT Center For Human Genetics Tuebingen Variant Classification Criteria Version 2. Collection method: clinical testing. Allele origin: germline. Affected: yes. Observed: 17 variant alleles.
Comment: TTN: BS2

Women's Health and Genetics/Laboratory Corporation of America, LabCorp
Classification: Uncertain significance. Last evaluated: 2025-07-03. Review status: criteria provided, single submitter. Criteria: LabCorp Variant Classification Summary - May 2015. Collection method: clinical testing. Allele origin: germline.
Comment: Variant summary: TTN c.92287T>C (p.Cys30763Arg) results in a non-conservative amino acid change in the encoded protein sequence. Algorithms developed to predict the effect of missense changes on protein structure and function are either unavailable or do not agree on the potential impact of this missense change. The variant allele was found at a frequency of 0.00027 in 247674 control chromosomes. This frequency is not significantly higher than estimated for a pathogenic variant in TTN causing Autosomal Recessive Titinopathy (0.00027 vs 0.00039), allowing no conclusion about variant significance. c.92287T>C has been observed in an individual with dilated cardiomyopathy (example: Pugh_2014) and in an individual who died from a sudden unexplained cardiac death (example: Campuzano_2015); however, neither of these instances were associated with strong evidence of causality. The variant was also observed in a child with myopathy who was found to carry a variant in a different gene that was considered causative for their phenotype (example: Estan_2019). These report(s) do not provide unequivocal conclusions about association of the variant with TTN-related disorders. To our knowledge, no experimental evidence demonstrating an impact on protein function has been reported. The following publications have been ascertained in the context of this evaluation (PMID: 24503780, 26516846, 30770808). ClinVar contains an entry for this variant (Variation ID: 47622). Based on the evidence outlined above, the variant was classified as uncertain significance.

Molecular Diagnostic Laboratory for Inherited Cardiovascular Disease, Montreal Heart Institute
Classification: Likely benign. Last evaluated: 2025-04-09. Review status: criteria provided, single submitter. Criteria: ACMG Guidelines, 2015. Collection method: clinical testing. Allele origin: germline. Affected: no.

PreventionGenetics, part of Exact Sciences
Classification: Likely benign for TTN-related condition. Last evaluated: 2024-12-11. Review status: criteria provided, single submitter. Criteria: ACMG Guidelines, 2015. Collection method: clinical testing. Allele origin: germline.
Comment: This variant is classified as likely benign based on ACMG/AMP sequence variant interpretation guidelines (Richards et al. 2015 PMID: 25741868, with internal and published modifications).

ARUP Laboratories, Molecular Genetics and Genomics, ARUP Laboratories
Classification: Uncertain significance. Last evaluated: 2024-11-12. Review status: criteria provided, single submitter. Criteria: ARUP Molecular Germline Variant Investigation Process 2024. Collection method: clinical testing. Allele origin: germline.
Comment: The TTN c.99991T>C; p.Cys33331Arg variant (rs56061641; ClinVar Variation ID: 47622) is rare in the general population (<0.2% allele frequency in the Genome Aggregation Database) and has not been reported in the medical literature in association with dilated cardiomyopathy (DCM) or other TTN-related disease. The clinical relevance of rare missense variants in this gene, which are identified on average once per individual sequenced in affected populations (Herman 2012), is not well understood. Yet, evidence suggests that the vast majority of such missense variants do not contribute to the clinical outcome of DCM (Begay 2015). Thus, the clinical significance of the p.Cys33331Arg variant cannot be determined with certainty. References: Begay RL et al. Role of Titin Missense Variants in Dilated Cardiomyopathy. J Am Heart Assoc. 2015 Nov 13;4(11). PMID: 26567375. Herman DS et al. Truncations of titin causing dilated cardiomyopathy. N Engl J Med. 2012 Feb 16;366(7):619-28. PMID: 22335739. Linke WA and Hamdani N. Gigantic business: titin properties and function through thick and thin. Circ Res 2014; 114(6): 1052-1068. PMID: 24625729.

Blueprint Genetics
Classification: Likely benign. Last evaluated: 2024-11-08. Review status: criteria provided, single submitter. Criteria: ACMG Guidelines, 2015. Collection method: clinical testing. Allele origin: germline.

Revvity Omics, Revvity
Classification: Uncertain significance. Last evaluated: 2024-11-05. Review status: criteria provided, single submitter. Criteria: ACMG Guidelines, 2015. Collection method: clinical testing. Allele origin: germline.

Mayo Clinic Laboratories, Mayo Clinic
Classification: Uncertain significance. Last evaluated: 2021-10-14. Review status: criteria provided, single submitter. Criteria: ACMG Guidelines, 2015. Collection method: clinical testing. Allele origin: germline.

GeneDx
Classification: Likely benign. Last evaluated: 2021-06-22. Review status: criteria provided, single submitter. Criteria: GeneDx Variant Classification Process June 2021. Collection method: clinical testing. Allele origin: germline. Affected: yes.
Comment: This variant is associated with the following publications: (PMID: 28771489, 24503780, 24781210)

Athena Diagnostics
Classification: Benign. Last evaluated: 2021-01-13. Review status: criteria provided, single submitter. Criteria: Athena Diagnostics criteria. Collection method: clinical testing. Allele origin: unknown.

Centre for Mendelian Genomics, University Medical Centre Ljubljana
Classification: Likely benign. Last evaluated: 2019-02-14. Review status: criteria provided, single submitter. Criteria: ACMG Guidelines, 2015. Collection method: clinical testing. Allele origin: unknown. Affected: yes.
Comment: This variant was classified as: Likely benign. The following ACMG criteria were applied in classifying this variant: BP1,BP6.

Illumina Laboratory Services, Illumina
Classification: Uncertain significance for Autosomal recessive limb-girdle muscular dystrophy type 2J. Last evaluated: 2018-01-12. Review status: criteria provided, single submitter. Criteria: ICSL Variant Classification Criteria 13 December 2019. Collection method: clinical testing. Allele origin: germline.

Illumina Laboratory Services, Illumina
Classification: Uncertain significance for Early-onset myopathy with fatal cardiomyopathy. Last evaluated: 2018-01-12. Review status: criteria provided, single submitter. Criteria: ICSL Variant Classification Criteria 13 December 2019. Collection method: clinical testing. Allele origin: germline.

Illumina Laboratory Services, Illumina
Classification: Benign for Myopathy, myofibrillar, 9, with early respiratory failure. Last evaluated: 2018-01-12. Review status: criteria provided, single submitter. Criteria: ICSL Variant Classification Criteria 13 December 2019. Collection method: clinical testing. Allele origin: germline.
Comment: This variant was observed in the ICSL laboratory as part of a predisposition screen in an ostensibly healthy population. It had not been previously curated by ICSL or reported in the Human Gene Mutation Database (HGMD: prior to June 1st, 2018), and was therefore a candidate for classification through an automated scoring system. Utilizing variant allele frequency, disease prevalence and penetrance estimates, and inheritance mode, an automated score was calculated to assess if this variant is too frequent to cause the disease. Based on the score and internal cut-off values, a variant classified as benign is not then subjected to further curation. The score for this variant resulted in a classification of benign for this disease.

Illumina Laboratory Services, Illumina
Classification: Benign for Tibial muscular dystrophy. Last evaluated: 2018-01-12. Review status: criteria provided, single submitter. Criteria: ICSL Variant Classification Criteria 13 December 2019. Collection method: clinical testing. Allele origin: germline.
Comment: the same text as in the submission from Illumina Laboratory Services, Illumina above.

Illumina Laboratory Services, Illumina
Classification: Uncertain significance for Dilated cardiomyopathy 1G. Last evaluated: 2018-01-12. Review status: criteria provided, single submitter. Criteria: ICSL Variant Classification Criteria 13 December 2019. Collection method: clinical testing. Allele origin: germline.

Labcorp Genetics (formerly Invitae), Labcorp
Classification: Uncertain significance for Dilated cardiomyopathy 1G; Autosomal recessive limb-girdle muscular dystrophy type 2J. Last evaluated: 2017-12-27. Review status: criteria provided, single submitter. Criteria: Invitae Variant Classification Sherloc (09022015). Collection method: clinical testing. Allele origin: germline.

Eurofins Ntd Llc (ga)
Classification: Likely benign. Last evaluated: 2016-03-17. Review status: criteria provided, single submitter. Criteria: EGL Classification Definitions 2015. Collection method: clinical testing. Allele origin: germline. Observed: 1 variant allele, 1 heterozygote.

Ambry Genetics
Classification: Benign for Cardiovascular phenotype. Last evaluated: 2015-08-20. Review status: criteria provided, single submitter. Criteria: Ambry Variant Classification Scheme 2023. Collection method: clinical testing. Allele origin: germline.

Laboratory for Molecular Medicine, Mass General Brigham Personalized Medicine
Classification: Benign. Last evaluated: 2013-11-08. Review status: criteria provided, single submitter. Criteria: LMM Criteria. Collection method: clinical testing. Allele origin: germline. Observed: 9 variant alleles.
Comment: Cys30736Arg in exon 305 of TTN: This variant is not expected to have clinical si gnificance because it has been identified in 3.1% (6/192) of Luhya chromosomes b y the 1000 Genomes Project (dbSNP rs56061641).

Clinical Genetics DNA and cytogenetics Diagnostics Lab, Erasmus MC, Erasmus Medical Center
Classification: Likely benign. Review status: no assertion criteria provided. Collection method: clinical testing. Allele origin: germline. Affected: yes. Study: VKGL Data-share Consensus. Not counted in ClinVar's aggregate classification.

Diagnostic Laboratory, Department of Genetics, University Medical Center Groningen
Classification: Likely benign. Review status: no assertion criteria provided. Collection method: clinical testing. Allele origin: germline. Affected: yes. Study: VKGL Data-share Consensus. Not counted in ClinVar's aggregate classification.

Genome Diagnostics Laboratory, University Medical Center Utrecht
Classification: Likely benign. Review status: no assertion criteria provided. Collection method: clinical testing. Allele origin: germline. Affected: yes. Study: VKGL Data-share Consensus. Not counted in ClinVar's aggregate classification.

Literature cited by the submitters: PubMed 24503780 (cited by Women's Health and Genetics/Laboratory Corporation of America, LabCorp); PubMed 26516846 (cited by Women's Health and Genetics/Laboratory Corporation of America, LabCorp); PubMed 30770808 (cited by Women's Health and Genetics/Laboratory Corporation of America, LabCorp).

NM_001267550.2(TTN):c.99991T>C (p.Cys33331Arg)

Genes: TTN (titin; minus strand), TTN-AS1 (TTN antisense RNA 1; plus strand), LOC126806420 (BRD4-independent group 4 enhancer GRCh37_chr2:179401104-179402303; plus strand). Cytogenetic location: 2q31.2.
Variant type: single nucleotide variant.
Coding change: c.99991T>C on transcript NM_001267550.2 (MANE Select); coding-DNA position 99991, T replaced by C.
Protein change: p.Cys33331Arg; replaces cysteine 33331 with arginine.
Molecular consequence: missense variant.
Genome position (GRCh38, 1-based): chr2:178,537,118, A>G on the plus strand (T>C on the coding strand, the complement: TTN is on the minus strand). VCF-style: chr2-178537118-A-G. GRCh37 (hg19) VCF-style: chr2-179401845-A-G.
Other names: p.C31690R:TGT>CGT; c.95068T>C, p.Cys31690Arg (NM_001256850.1); c.72796T>C, p.Cys24266Arg (NM_003319.4); c.92287T>C, p.Cys30763Arg (NM_133378.4); c.73171T>C, p.Cys24391Arg (NM_133432.3); c.73372T>C, p.Cys24458Arg (NM_133437.4); short protein forms C33331R, C30763R, C31690R, C24266R, C24458R, C24391R.
Identifiers: ClinVar variation 47622 (VCV000047622.78), dbSNP rs56061641, ClinGen allele CA141535.